The following is an entry in ClinVar:

NM_004928.3(CFAP410):c.643-221T>G

Gene: CFAP410 (cilia and flagella associated protein 410; minus strand). Cytogenetic location: 21q22.3.
Variant type: single nucleotide variant.
Coding change: c.643-221T>G on transcript NM_004928.3 (MANE Select); 221 bases into the intron before coding-DNA position 643, T replaced by G.
Molecular consequence: intron variant. On other transcripts: synonymous variant (1).
Genome position (GRCh38, 1-based): chr21:44,330,547, A>C on the plus strand (T>G on the coding strand, the complement: CFAP410 is on the minus strand). VCF-style: chr21-44330547-A-C. GRCh37 (hg19) VCF-style: chr21-45750430-A-C.
Other names: c.915T>G, p.Ala305= (NM_001271441.2); c.640-221T>G (NM_001271440.2); c.517-221T>G (NM_001271442.1).
Identifiers: ClinVar variation 3054045 (VCV003054045.3), dbSNP rs749911433, ClinGen allele CA10053537.

ClinVar aggregate classification (germline): Likely benign. Review status: criteria provided, single submitter (1 of 4 stars). 2 submissions from 2 submitters: Likely benign (1). 1 of the submissions does not count toward it. Last evaluated 2024-10-23.

Conditions:
CFAP410-related disorder. Also called: CFAP410-related condition.

Allele frequency attached by ClinVar (database versions not stated): gnomAD 0.00003; TOPMed 0.00003; gnomAD exomes 0.00005; ExAC 0.00007.
gnomAD v4.1: 69 of 1,548,992 alleles (0.0045%); highest among the groups gnomAD compares: Non-Finnish European, 0.006%; no homozygotes.

Submissions (2):

Blueprint Genetics
Classification: Likely benign. Last evaluated: 2024-10-23. Review status: criteria provided, single submitter. Criteria: ACMG Guidelines, 2015. Collection method: clinical testing. Allele origin: germline.

PreventionGenetics, part of Exact Sciences
Classification: Likely benign for CFAP410-related condition. Last evaluated: 2023-07-11. Review status: no assertion criteria provided. Collection method: clinical testing. Allele origin: germline. Not counted in ClinVar's aggregate classification.
Comment: This variant is classified as likely benign based on ACMG/AMP sequence variant interpretation guidelines (Richards et al. 2015 PMID: 25741868, with internal and published modifications).